The following is an entry in ClinVar:

NM_001363711.2(DUOX2):c.2365A>C (p.Thr789Pro)

Gene: DUOX2 (dual oxidase 2; minus strand). Cytogenetic location: 15q21.1.
Variant type: single nucleotide variant.
Coding change: c.2365A>C on transcript NM_001363711.2 (MANE Select); coding-DNA position 2365, A replaced by C.
Protein change: p.Thr789Pro; replaces threonine 789 with proline.
Molecular consequence: missense variant.
Genome position (GRCh38, 1-based): chr15:45,104,335, T>G on the plus strand (A>C on the coding strand, the complement: DUOX2 is on the minus strand). VCF-style: chr15-45104335-T-G. GRCh37 (hg19) VCF-style: chr15-45396533-T-G.
Other names: c.2365A>C, p.Thr789Pro (NM_014080.5); short protein forms T789P.
Identifiers: ClinVar variation 1715351 (VCV001715351.5), dbSNP rs1055518722, ClinGen allele CA270128325.

ClinVar aggregate classification (germline): Uncertain significance (1 of 4 stars; one submission).

Allele frequency attached by ClinVar (database versions not stated): gnomAD 0.00001.

Submission:

Labcorp Genetics (formerly Invitae), Labcorp
Classification: Uncertain significance. Last evaluated: 2022-08-24. Review status: criteria provided, single submitter. Criteria: Invitae Variant Classification Sherloc (09022015). Collection method: clinical testing. Allele origin: germline.
Comment: Advanced modeling of protein sequence and biophysical properties (such as structural, functional, and spatial information, amino acid conservation, physicochemical variation, residue mobility, and thermodynamic stability) performed at Invitae indicates that this missense variant is not expected to disrupt DUOX2 protein function. This sequence change replaces threonine, which is neutral and polar, with proline, which is neutral and non-polar, at codon 789 of the DUOX2 protein (p.Thr789Pro). This variant is not present in population databases (gnomAD no frequency). This variant has not been reported in the literature in individuals affected with DUOX2-related conditions. In summary, the available evidence is currently insufficient to determine the role of this variant in disease. Therefore, it has been classified as a Variant of Uncertain Significance.